The following is an entry in ClinVar:

NM_024649.5(BBS1):c.217G>T (p.Gly73Ter)

Gene: BBS1 (Bardet-Biedl syndrome 1; plus strand). Cytogenetic location: 11q13.2.
Variant type: single nucleotide variant.
Coding change: c.217G>T on transcript NM_024649.5 (MANE Select); coding-DNA position 217, G replaced by T.
Protein change: p.Gly73Ter; replaces glycine 73 with a stop codon.
Molecular consequence: nonsense.
Genome position (GRCh38, 1-based): chr11:66,514,463, G>T. VCF-style: chr11-66514463-G-T. GRCh37 (hg19) VCF-style: chr11-66281934-G-T.
Other names: short protein forms G73*.
Identifiers: ClinVar variation 943228 (VCV000943228.14), dbSNP rs1012901050, ClinGen allele CA381455944.

ClinVar aggregate classification (germline): Pathogenic. Review status: criteria provided, multiple submitters, no conflicts (2 of 4 stars). 6 submissions from 6 submitters: Pathogenic (6). Last evaluated 2025-08-26.

Conditions:
BBS1-related disorder. Also called: BBS1-related condition.
Bardet-Biedl syndrome 1 (BBS1). Identifiers: MedGen C2936862, MONDO:0008854, OMIM 209900. Disease mechanism: loss of function.
Bardet-Biedl syndrome (BBS). Identifiers: Orphanet 110, MedGen C0752166, MONDO:0015229.

gnomAD v4.1: 6 of 1,614,192 alleles (0.00037%); highest among the groups gnomAD compares: Non-Finnish European, 0.00034%; no homozygotes.

Submissions (6):

PreventionGenetics, part of Exact Sciences
Classification: Pathogenic for BBS1-related condition. Last evaluated: 2025-08-26. Review status: criteria provided, single submitter. Criteria: ACMG Guidelines, 2015. Collection method: clinical testing. Allele origin: germline.
Comment: The BBS1 c.217G>T variant is predicted to result in premature protein termination (p.Gly73*). This variant has been reported along with a second causative variant in an individual with Bardet-Biedl syndrome (Muller et al. 2010. PubMed ID: 20177705). This variant has not been reported in a large population database (gnomAD), indicating this variant is rare. Nonsense variants in BBS1 are expected to be pathogenic. This variant is interpreted as pathogenic.

3billion
Classification: Pathogenic for Bardet-Biedl syndrome 1. Last evaluated: 2025-08-12. Review status: criteria provided, single submitter. Criteria: ACMG Guidelines, 2015. Collection method: clinical testing. Allele origin: germline. Affected: yes.
Comment: The variant is observed at an extremely low frequency in the gnomAD v4.1.0 dataset (total allele frequency: <0.001%). Predicted Consequence/Location: Stop-gained (nonsense): predicted to result in a loss or disruption of normal protein function through nonsense-mediated decay (NMD) or protein truncation. Multiple pathogenic variants are reported downstream of the variant. The variant has been reported at least twice as pathogenic without evidence for the classification (ClinVar ID: VCV000943228 /PMID: 20177705). Therefore, this variant is classified as Pathogenic according to the recommendation of ACMG/AMP guideline.

Natera, Inc.
Classification: Pathogenic for Bardet-Biedl syndrome type 1. Last evaluated: 2025-07-14. Review status: criteria provided, single submitter. Criteria: Natera Variant Classification Schema (03/2026). Collection method: clinical testing. Allele origin: germline.
Comment: The c.217G>T variant in BBS1 is a nonsense variant predicted to introduce a stop codon at amino acid 73. This variant is expected to result in nonsense mediated decay, truncation, or a dysfunctional protein product. This variant is rare in the general population with a frequency below the threshold expected for the associated phenotype(s). This variant has been observed in one or more individuals affected with the associated recessive disease, as either homozygous or compound heterozygous with a second variant (PMID: 20177705). Given the available evidence, this variant is classified as Pathogenic.

Blueprint Genetics
Classification: Pathogenic for BBS1-related disorders. Last evaluated: 2024-06-26. Review status: criteria provided, single submitter. Criteria: ACMG Guidelines, 2015. Collection method: clinical testing. Allele origin: germline. Affected: yes. Observed: 2 variant alleles.

Labcorp Genetics (formerly Invitae), Labcorp
Classification: Pathogenic for Bardet-Biedl syndrome. Last evaluated: 2023-05-02. Review status: criteria provided, single submitter. Criteria: Invitae Variant Classification Sherloc (09022015). Collection method: clinical testing. Allele origin: germline.
Comment: For these reasons, this variant has been classified as Pathogenic. ClinVar contains an entry for this variant (Variation ID: 943228). This premature translational stop signal has been observed in individual(s) with Bardet-Biedl syndrome (PMID: 20177705). This variant is not present in population databases (gnomAD no frequency). This sequence change creates a premature translational stop signal (p.Gly73*) in the BBS1 gene. It is expected to result in an absent or disrupted protein product. Loss-of-function variants in BBS1 are known to be pathogenic (PMID: 12118255, 21520335, 27032803).

GeneDx
Classification: Pathogenic. Last evaluated: 2023-01-19. Review status: criteria provided, single submitter. Criteria: GeneDx Variant Classification Process June 2021. Collection method: clinical testing. Allele origin: germline. Affected: yes.
Comment: Nonsense variant predicted to result in protein truncation or nonsense mediated decay in a gene for which loss-of-function is a known mechanism of disease; Not observed in large population cohorts (gnomAD); This variant is associated with the following publications: (PMID: 25525159, 20177705)

Literature cited by the submitters: PubMed 20177705 (cited by 3 submitters); PubMed 12118255 (cited by Labcorp Genetics (formerly Invitae), Labcorp); PubMed 21520335 (cited by Labcorp Genetics (formerly Invitae), Labcorp); PubMed 27032803 (cited by Labcorp Genetics (formerly Invitae), Labcorp).